The following is an entry in ClinVar:

ClinVar aggregate classification (germline): Uncertain significance (1 of 4 stars; one submission).

Conditions:
Baller-Gerold syndrome (BGS). Also called: CRANIOSYNOSTOSIS WITH RADIAL DEFECTS. Identifiers: Orphanet 1225, MedGen C0265308, MONDO:0009039, OMIM 218600.

Allele frequency attached by ClinVar (database versions not stated): gnomAD exomes below 0.00001; ExAC 0.00001.
gnomAD v4.1: 6 of 1,601,286 alleles (0.00037%); highest among the groups gnomAD compares: South Asian, 0.0055%; no homozygotes.

Submission:

Labcorp Genetics (formerly Invitae), Labcorp
Classification: Uncertain significance for Baller-Gerold syndrome. Last evaluated: 2025-01-26. Review status: criteria provided, single submitter. Criteria: Invitae Variant Classification Sherloc (09022015). Collection method: clinical testing. Allele origin: germline.
Comment: This sequence change replaces leucine, which is neutral and non-polar, with proline, which is neutral and non-polar, at codon 791 of the RECQL4 protein (p.Leu791Pro). This variant is present in population databases (rs774894142, gnomAD 0.003%). This variant has not been reported in the literature in individuals affected with RECQL4-related conditions. ClinVar contains an entry for this variant (Variation ID: 840451). Invitae Evidence Modeling of protein sequence and biophysical properties (such as structural, functional, and spatial information, amino acid conservation, physicochemical variation, residue mobility, and thermodynamic stability) indicates that this missense variant is expected to disrupt RECQL4 protein function with a positive predictive value of 80%. In summary, the available evidence is currently insufficient to determine the role of this variant in disease. Therefore, it has been classified as a Variant of Uncertain Significance.

NM_004260.4(RECQL4):c.2372T>C (p.Leu791Pro)

Gene: RECQL4 (RecQ like helicase 4; minus strand). Cytogenetic location: 8q24.3.
Variant type: single nucleotide variant.
Coding change: c.2372T>C on transcript NM_004260.4 (MANE Select); coding-DNA position 2372, T replaced by C.
Protein change: p.Leu791Pro; replaces leucine 791 with proline.
Molecular consequence: missense variant.
Genome position (GRCh38, 1-based): chr8:144,513,309, A>G on the plus strand (T>C on the coding strand, the complement: RECQL4 is on the minus strand). VCF-style: chr8-144513309-A-G. GRCh37 (hg19) VCF-style: chr8-145738692-A-G.
Other names: short protein forms L791P.
Identifiers: ClinVar variation 840451 (VCV000840451.4), dbSNP rs774894142, ClinGen allele CA4948316.
Genomic context (GRCh38, chr8:144,513,309, plus strand): 5'-GGCTGCCCGTCACGCCCGGCCCGGCCCACGGCCTGCACGTAGCTCTCGAAGCTTGGGGGC[A>G]GCCCCAGATGCAGCACAGCCCGCACATCTGGCCGGTCCAGCCCCATCCCAAAGGCCACCG-3'
Protein context (NP_004251.4, residues 781-801): PDVRAVLHLG[Leu791Pro]PPSFESYVQA